The following is an entry in ClinVar:

ClinVar aggregate classification (germline): Uncertain significance (1 of 4 stars; one submission).

Conditions:
Heterotopia, periventricular, X-linked dominant (PVNH1). Also called: PERIVENTRICULAR NODULAR HETEROTOPIA 1; X-linked periventricular heterotopia; PERIVENTRICULAR NODULAR HETEROTOPIA 4; HETEROTOPIA, PERIVENTRICULAR, 1. Identifiers: Orphanet 2149, Orphanet 82004, MedGen C1848213, MONDO:0010233, OMIM 300049.
Melnick-Needles syndrome (MNS). Also called: Melnick-Needles Syndrome (FLNA-MNS); MELNICK-NEEDLES OSTEODYSPLASTY; OSTEODYSPLASTY OF MELNICK AND NEEDLES. Identifiers: Orphanet 2484, MedGen C0025237, MONDO:0010650, OMIM 309350.
Frontometaphyseal dysplasia (FMD1). Identifiers: Orphanet 1826, MedGen C0265293, MONDO:0015942.
Oto-palato-digital syndrome, type II (OPD2). Also called: Otopalatodigital Syndrome Type 2 (FLNA-OPD2); FACIOPALATOOSSEOUS SYNDROME; OPD II SYNDROME; Otopalatodigital Syndrome, Type II. Identifiers: Orphanet 669, Orphanet 90652, MedGen C1844696, MONDO:0010571, OMIM 304120.

gnomAD v4.1: 1 of 1,210,845 alleles (0.000083%); highest among the groups gnomAD compares: Non-Finnish European, 0.00011%; no homozygotes.

Submission:

Labcorp Genetics (formerly Invitae), Labcorp
Classification: Uncertain significance for Oto-palato-digital syndrome, type II; Heterotopia, periventricular, X-linked dominant; Frontometaphyseal dysplasia; Melnick-Needles syndrome. Last evaluated: 2023-07-30. Review status: criteria provided, single submitter. Criteria: Invitae Variant Classification Sherloc (09022015). Collection method: clinical testing. Allele origin: germline.
Comment: In summary, the available evidence is currently insufficient to determine the role of this variant in disease. Therefore, it has been classified as a Variant of Uncertain Significance. Advanced modeling of protein sequence and biophysical properties (such as structural, functional, and spatial information, amino acid conservation, physicochemical variation, residue mobility, and thermodynamic stability) performed at Invitae indicates that this missense variant is not expected to disrupt FLNA protein function. This variant has not been reported in the literature in individuals affected with FLNA-related conditions. This variant is not present in population databases (gnomAD no frequency). This sequence change replaces histidine, which is basic and polar, with arginine, which is basic and polar, at codon 929 of the FLNA protein (p.His929Arg).

NM_001110556.2(FLNA):c.2786A>G (p.His929Arg)

Gene: FLNA (filamin A; minus strand). Cytogenetic location: Xq28.
Variant type: single nucleotide variant.
Coding change: c.2786A>G on transcript NM_001110556.2 (MANE Select); coding-DNA position 2786, A replaced by G.
Protein change: p.His929Arg; replaces histidine 929 with arginine.
Molecular consequence: missense variant.
Genome position (GRCh38, 1-based): chrX:154,362,019, T>C on the plus strand (A>G on the coding strand, the complement: FLNA is on the minus strand). VCF-style: chrX-154362019-T-C. GRCh37 (hg19) VCF-style: chrX-153590387-T-C.
Other names: c.2786A>G, p.His929Arg (NM_001456.4); short protein forms H929R.
Identifiers: ClinVar variation 2950478 (VCV002950478.3), dbSNP rs1569551734, ClinGen allele CA415232543.